The following is an entry in ClinVar:

ClinVar aggregate classification (germline): Uncertain significance. Review status: criteria provided, single submitter (1 of 4 stars). 2 submissions from 2 submitters: Uncertain significance (1). 1 of the submissions does not count toward it. Last evaluated 2026-08-27.

Conditions:
Developmental and epileptic encephalopathy, 53. Also called: Epileptic encephalopathy, early infantile, 53. Identifiers: MedGen C4479313, MONDO:0033362, OMIM 617389.

Submissions (2):

Department of Molecular Genetics, Istishari Arab Hospital
Classification: Uncertain significance for Developmental and epileptic encephalopathy, 53. Last evaluated: 2026-08-27. Review status: criteria provided, single submitter. Criteria: ACMG Guidelines, 2015. Collection method: clinical testing. Allele origin: germline. Inheritance: Autosomal recessive inheritance. Affected: yes.
Comment: The SYNJ1 variant c.1157G>T, p.Cys386Phe creates an amino acid change from Cys to Phe at codon 386 in exon 10 (out of 33 exons). This variant, which has previously been described using an alternative transcript as c.1274G>T, p.Cys425Phe, was previously reported in a Palestinian family with two affected children suffering from a severe early-onset epileptic encephalopathy with myoclonic epilepsy (PMID: 32214227). However, no established functional studies have been performed for this variant, and the number of reported unrelated affected families remains limited. It is classified as a variant of uncertain significance according to the recommendations of ACMG/AMP/ClinGen SVI guidelines.

Section for Clinical Neurogenetics, University of Tübingen
Classification: Uncertain significance for Developmental and epileptic encephalopathy, 53. Last evaluated: 2019-08-01. Review status: no assertion criteria provided. Collection method: research. Allele origin: germline. Affected: yes. Not counted in ClinVar's aggregate classification.

Literature cited by the submitters: PubMed 32214227 (cited by Department of Molecular Genetics, Istishari Arab Hospital and Section for Clinical Neurogenetics, University of Tübingen).

NM_203446.3(SYNJ1):c.1157G>T (p.Cys386Phe)

Gene: SYNJ1 (synaptojanin 1; minus strand). Cytogenetic location: 21q22.11.
Variant type: single nucleotide variant.
Coding change: c.1157G>T on transcript NM_203446.3 (MANE Select); coding-DNA position 1157, G replaced by T.
Protein change: p.Cys386Phe; replaces cysteine 386 with phenylalanine.
Molecular consequence: missense variant.
Genome position (GRCh38, 1-based): chr21:32,684,081, C>A on the plus strand (G>T on the coding strand, the complement: SYNJ1 is on the minus strand). VCF-style: chr21-32684081-C-A. GRCh37 (hg19) VCF-style: chr21-34056391-C-A.
Other names: p.Cys386Phe; c.1157G>T, p.Cys386Phe (NM_001160302.2, NM_001160306.2); c.1274G>T, p.Cys425Phe (NM_003895.4); short protein forms C386F, C425F.
Identifiers: ClinVar variation 810639 (VCV000810639.2), dbSNP rs2041732521, ClinGen allele CA410091574.